The following is an entry in ClinVar:

ClinVar aggregate classification (germline): Uncertain significance (1 of 4 stars; one submission).

Conditions:
Inborn genetic diseases. Identifiers: MedGen C0950123, MeSH D030342.

Submission:

Ambry Genetics
Classification: Uncertain significance for Inborn genetic diseases. Last evaluated: 2021-03-18. Review status: criteria provided, single submitter. Criteria: Ambry Variant Classification Scheme 2023. Collection method: clinical testing. Allele origin: germline.
Comment: The p.T36A variant (also known as c.106A>G), located in coding exon 2 of the PMP22 gene, results from an A to G substitution at nucleotide position 106. The threonine at codon 36 is replaced by alanine, an amino acid with similar properties. This amino acid position is not well conserved in available vertebrate species. In addition, this alteration is predicted to be tolerated by in silico analysis. Since supporting evidence is limited at this time, the clinical significance of this alteration remains unclear.

NM_000304.4(PMP22):c.106A>G (p.Thr36Ala)

Gene: PMP22 (peripheral myelin protein 22; minus strand). Cytogenetic location: 17p12.
Variant type: single nucleotide variant.
Coding change: c.106A>G on transcript NM_000304.4 (MANE Select); coding-DNA position 106, A replaced by G.
Protein change: p.Thr36Ala; replaces threonine 36 with alanine.
Molecular consequence: missense variant. On other transcripts: non-coding transcript variant (1).
Genome position (GRCh38, 1-based): chr17:15,259,166, T>C on the plus strand (A>G on the coding strand, the complement: PMP22 is on the minus strand). VCF-style: chr17-15259166-T-C. GRCh37 (hg19) VCF-style: chr17-15162483-T-C.
Other names: c.106A>G, p.Thr36Ala (NM_001281455.2, NM_001281456.2, NM_001330143.2 and 2 more transcripts); short protein forms T36A.
Identifiers: ClinVar variation 1782887 (VCV001782887.2), dbSNP rs2508212355, ClinGen allele CA398271080.
Genomic context (GRCh38, chr17:15,259,166, plus strand): 5'-ATGAGAAACAGTGGTGGACATTTCCTGAGGAAGAGGTGCTACAGTTCTGCCAGAGATCAG[T>C]TGCGTGTCCATTGCCCACGATCCATTGCTAGAGAGAATCAGATAGATATCCTGAGTCAGG-3'
Protein context (NP_000295.1, residues 26-46): SQWIVGNGHA[Thr36Ala]DLWQNCSTSS